The following is an entry in ClinVar:

ClinVar aggregate classification (germline): Conflicting classifications of pathogenicity. Review status: criteria provided, conflicting classifications (1 of 4 stars). 14 submissions from 14 submitters: Uncertain significance (5); Benign (1); Likely benign (3). 5 of the submissions do not count toward it. Last evaluated 2026-03-06.

Conditions:
LRP5-related disorder. Also called: LRP5-related condition.
Osteoporosis with pseudoglioma (OPPG). Also called: osteoporosis-pseudoglioma syndrome. Identifiers: Orphanet 2788, MedGen C0432252, MONDO:0009820, OMIM 259770.
Retinal dystrophy. Also called: Inherited retinal dystrophy. Identifiers: Orphanet 71862, MedGen C0854723, MeSH D058499, MONDO:0019118, HP:0000556.

Allele frequency attached by ClinVar (database versions not stated): 1000 Genomes Project 0.00040; 1000 Genomes Project 30x 0.00062; TOPMed 0.00073; gnomAD 0.00077 and 0.00078; gnomAD exomes 0.00088 and 0.00115; ESP Exome Variant Server 0.00092; ExAC 0.00118.
gnomAD v4.1: 1,768 of 1,614,246 alleles (0.11%); highest among the groups gnomAD compares: Non-Finnish European, 0.14%; 2 homozygotes.

Submissions (19):

GeneDx
Classification: Uncertain significance. Last evaluated: 2026-03-06. Review status: criteria provided, single submitter. Criteria: GeneDx Variant Classification Process June 2021. Collection method: clinical testing. Allele origin: germline. Affected: yes.
Comment: In silico analysis is inconclusive as to whether the variant alters gene splicing. In the absence of RNA/functional studies, the actual effect of this sequence change is unknown.; This variant is associated with the following publications: (PMID: 39903177)

CeGaT Center for Human Genetics Tuebingen
Classification: Likely benign. Last evaluated: 2026-03-01. Review status: criteria provided, single submitter. Criteria: CeGaT Center For Human Genetics Tuebingen Variant Classification Criteria Version 2. Collection method: clinical testing. Allele origin: germline. Affected: yes. Observed: 2 variant alleles.
Comment: LRP5: BP4, BS2

Labcorp Genetics (formerly Invitae), Labcorp
Classification: Likely benign. Last evaluated: 2026-01-26. Review status: criteria provided, single submitter. Criteria: Invitae Variant Classification Sherloc (09022015). Collection method: clinical testing. Allele origin: germline.

ARUP Laboratories, Molecular Genetics and Genomics, ARUP Laboratories
Classification: Uncertain significance. Last evaluated: 2025-07-18. Review status: criteria provided, single submitter. Criteria: ARUP Molecular Germline Variant Investigation Process 2024. Collection method: clinical testing. Allele origin: germline.
Comment: The LRP5 c.1413-7T>A variant (rs141889567), to our knowledge, is not reported in the medical literature but is reported in ClinVar (Variation ID: 488970). This variant is found in the general population with an overall allele frequency of 0.08% (238/282,840 alleles, with one homozygote) in the Genome Aggregation Database. This is an intronic variant in a weakly conserved nucleotide, and computational analyses (Alamut v.2.11) predict that this variant may impact splicing by weakening the nearby canonical acceptor splice site. However, RNA studies would be required to confirm this. Given the lack of clinical and functional data, the significance of the c.1413-7T>A variant is uncertain at this time.

Mayo Clinic Laboratories, Mayo Clinic
Classification: Uncertain significance. Last evaluated: 2025-03-04. Review status: criteria provided, single submitter. Criteria: ACMG Guidelines, 2015. Collection method: clinical testing. Allele origin: germline. Observed: 3 variant alleles.
Comment: BS1

Blueprint Genetics
Classification: Likely benign. Last evaluated: 2024-10-28. Review status: criteria provided, single submitter. Criteria: ACMG Guidelines, 2015. Collection method: clinical testing. Allele origin: germline.

Women's Health and Genetics/Laboratory Corporation of America, LabCorp
Classification: Benign. Last evaluated: 2023-01-06. Review status: criteria provided, single submitter. Criteria: LabCorp Variant Classification Summary - May 2015. Collection method: clinical testing. Allele origin: germline.

Athena Diagnostics
Classification: Uncertain significance. Last evaluated: 2021-12-07. Review status: criteria provided, single submitter. Criteria: Athena Diagnostics Criteria. Collection method: clinical testing. Allele origin: unknown.

Baylor Genetics
Classification: Uncertain significance for Osteoporosis with pseudoglioma. Last evaluated: 2018-12-06. Review status: criteria provided, single submitter. Criteria: ACMG Guidelines, 2015. Collection method: clinical testing. Allele origin: maternal. Affected: yes.
Comment: This variant was determined to be of uncertain significance according to ACMG Guidelines, 2015 [PMID:25741868].

PreventionGenetics, part of Exact Sciences
Classification: Likely benign for LRP5-related condition. Last evaluated: 2021-01-19. Review status: no assertion criteria provided. Collection method: clinical testing. Allele origin: germline. Not counted in ClinVar's aggregate classification.
Comment: This variant is classified as likely benign based on ACMG/AMP sequence variant interpretation guidelines (Richards et al. 2015 PMID: 25741868, with internal and published modifications).

Institute of Human Genetics, Univ. Regensburg, Univ. Regensburg
Classification: Uncertain significance for Retinal dystrophy. Last evaluated: 2021-01-01. Review status: no assertion criteria provided. Criteria: ACMG Guidelines, 2015. Collection method: clinical testing. Allele origin: germline. Affected: yes. Not counted in ClinVar's aggregate classification.

Clinical Genetics, Academic Medical Center
Classification: Benign. Review status: no assertion criteria provided. Collection method: clinical testing. Allele origin: germline. Affected: yes. Study: VKGL Data-share Consensus. Not counted in ClinVar's aggregate classification.

Dr. Peter K. Rogan Lab, Western University
No classification provided (evidence only). Condition: Lung cancer. Review status: no classification provided. Collection method: in vitro. Allele origin: not applicable. Functional consequence: skipped exon, retained intron. Not counted in ClinVar's aggregate classification.

Dr. Peter K. Rogan Lab, Western University
No classification provided (evidence only). Condition: Acute myeloid leukemia. Review status: no classification provided. Collection method: in vitro. Allele origin: not applicable. Functional consequence: retained intron. Not counted in ClinVar's aggregate classification.

Dr. Peter K. Rogan Lab, Western University
No classification provided (evidence only). Condition: Uterine corpus endometrial carcinoma. Review status: no classification provided. Collection method: in vitro. Allele origin: not applicable. Functional consequence: retained intron. Not counted in ClinVar's aggregate classification.

Dr. Peter K. Rogan Lab, Western University
No classification provided (evidence only). Condition: Cervical cancer. Review status: no classification provided. Collection method: in vitro. Allele origin: not applicable. Functional consequence: skipped exon. Not counted in ClinVar's aggregate classification.

Dr. Peter K. Rogan Lab, Western University
No classification provided (evidence only). Condition: Gastric cancer. Review status: no classification provided. Collection method: in vitro. Allele origin: not applicable. Functional consequence: skipped exon. Not counted in ClinVar's aggregate classification.

Joint Genome Diagnostic Labs from Nijmegen and Maastricht, Radboudumc and MUMC+
Classification: Likely benign. Review status: no assertion criteria provided. Collection method: clinical testing. Allele origin: germline. Affected: yes. Study: VKGL Data-share Consensus. Not counted in ClinVar's aggregate classification.

Laboratory of Diagnostic Genome Analysis, Leiden University Medical Center (LUMC)
Classification: Likely benign. Review status: no assertion criteria provided. Collection method: clinical testing. Allele origin: germline. Affected: yes. Study: VKGL Data-share Consensus. Not counted in ClinVar's aggregate classification.

NM_002335.4(LRP5):c.1413-7T>A

Gene: LRP5 (LDL receptor related protein 5; plus strand). Cytogenetic location: 11q13.2.
Variant type: single nucleotide variant.
Coding change: c.1413-7T>A on transcript NM_002335.4 (MANE Select); 7 bases into the intron before coding-DNA position 1413, T replaced by A.
Molecular consequence: intron variant.
Genome position (GRCh38, 1-based): chr11:68,389,874, T>A. VCF-style: chr11-68389874-T-A. GRCh37 (hg19) VCF-style: chr11-68157342-T-A.
Other names: p.?; c.-354+3162T>A (NM_001291902.2).
Identifiers: ClinVar variation 488970 (VCV000488970.71), dbSNP rs141889567, ClinGen allele CA6149342.
Genomic context (GRCh38, chr11:68,389,874, plus strand): 5'-TTGGCACTGGGGATGCTGCAGAGACCAGACAGACTCATGGGGTCATGGACTTCTGCTTCT[T>A]CTCCAGCCTCATGTACTGGACAGACTGGGGAGAGAACCCTAAAATCGAGTGTGCCAACTT-3'